The following is an entry in ClinVar:

ClinVar aggregate classification (germline): Uncertain significance (1 of 4 stars; one submission).

Allele frequency attached by ClinVar (database versions not stated): gnomAD exomes below 0.00001.
gnomAD v4.1: 1 of 1,613,956 alleles (0.000062%); highest among the groups gnomAD compares: Non-Finnish European, 0.000085%; no homozygotes.

Submission:

Labcorp Genetics (formerly Invitae), Labcorp
Classification: Uncertain significance. Last evaluated: 2024-04-22. Review status: criteria provided, single submitter. Criteria: Invitae Variant Classification Sherloc (09022015). Collection method: clinical testing. Allele origin: germline.
Comment: This sequence change replaces proline, which is neutral and non-polar, with alanine, which is neutral and non-polar, at codon 263 of the ADAMTSL4 protein (p.Pro263Ala). This variant is not present in population databases (gnomAD no frequency). This variant has not been reported in the literature in individuals affected with ADAMTSL4-related conditions. ClinVar contains an entry for this variant (Variation ID: 1944978). Advanced modeling of protein sequence and biophysical properties (such as structural, functional, and spatial information, amino acid conservation, physicochemical variation, residue mobility, and thermodynamic stability) performed at Invitae indicates that this missense variant is not expected to disrupt ADAMTSL4 protein function with a negative predictive value of 80%. In summary, the available evidence is currently insufficient to determine the role of this variant in disease. Therefore, it has been classified as a Variant of Uncertain Significance.

NM_019032.6(ADAMTSL4):c.787C>G (p.Pro263Ala)

Genes: ADAMTSL4 (ADAMTS like 4; plus strand), ADAMTSL4-AS2 (ADAMTSL4 antisense RNA 2; minus strand). Cytogenetic location: 1q21.2.
Variant type: single nucleotide variant.
Coding change: c.787C>G on transcript NM_019032.6 (MANE Select); coding-DNA position 787, C replaced by G.
Protein change: p.Pro263Ala; replaces proline 263 with alanine.
Molecular consequence: missense variant.
Genome position (GRCh38, 1-based): chr1:150,553,778, C>G. VCF-style: chr1-150553778-C-G. GRCh37 (hg19) VCF-style: chr1-150526254-C-G.
Other names: c.787C>G, p.Pro263Ala (NM_001288607.2, NM_001288608.2, NM_001378596.1 and 1 more transcripts); short protein forms P263A.
Identifiers: ClinVar variation 1944978 (VCV001944978.5), dbSNP rs2526611912, ClinGen allele CA342302308.
Genomic context (GRCh38, chr1:150,553,778, plus strand): 5'-AGAACCAGGCCTGCCCCCCTACGGCATCACCCCAGAGCCCAGGCCTCTGGCACAGAGCCC[C>G]CCTCACCCACGCACTCCTTAGGAGAAGGTGGCTTCTTCCGTGCATCCCCTCAGCCACGAA-3'
Protein context (NP_061905.2, residues 253-273): PRAQASGTEP[Pro263Ala]SPTHSLGEGG